The following is an entry in ClinVar:

ClinVar aggregate classification (germline): Benign. Review status: criteria provided, multiple submitters, no conflicts (2 of 4 stars). 2 submissions from 2 submitters: Benign (2). Last evaluated 2018-01-13.

Conditions:
Microcytic anemia with liver iron overload. Also called: Anemia, hypochromic microcytic, with iron overload 1. Identifiers: Orphanet 83642, MedGen C3806153, MONDO:0008787, OMIM 206100.

Allele frequency attached by ClinVar (database versions not stated): TOPMed 0.13728; 1000 Genomes Project 0.13798; gnomAD 0.14282 and 0.14661; 1000 Genomes Project 30x 0.13398; gnomAD exomes 0.19238 and 0.17256; ExAC 0.25005.
gnomAD v4.1: 240,503 of 1,285,696 alleles (19%); highest among the groups gnomAD compares: South Asian, 27%; 23,616 homozygotes.

Submissions (2):

Illumina Laboratory Services, Illumina
Classification: Benign for Microcytic anemia with liver iron overload. Last evaluated: 2018-01-13. Review status: criteria provided, single submitter. Criteria: ICSL Variant Classification Criteria 13 December 2019. Collection method: clinical testing. Allele origin: germline.
Comment: This variant was observed in the ICSL laboratory as part of a predisposition screen in an ostensibly healthy population. It had not been previously curated by ICSL or reported in the Human Gene Mutation Database (HGMD: prior to June 1st, 2018), and was therefore a candidate for classification through an automated scoring system. Utilizing variant allele frequency, disease prevalence and penetrance estimates, and inheritance mode, an automated score was calculated to assess if this variant is too frequent to cause the disease. Based on the score and internal cut-off values, a variant classified as benign is not then subjected to further curation. The score for this variant resulted in a classification of benign for this disease.

Breakthrough Genomics
Classification: Benign. Review status: criteria provided, single submitter. Criteria: ACMG Guidelines, 2015. Collection method: not provided. Allele origin: germline. Inheritance: Autosomal recessive inheritance. Affected: yes.

NM_000617.3(SLC11A2):c.*1273G>A

Gene: SLC11A2 (solute carrier family 11 member 2; minus strand). Cytogenetic location: 12q13.12.
Variant type: single nucleotide variant.
Coding change: c.*1273G>A on transcript NM_000617.3 (MANE Select); 1273 bases downstream of the stop codon, G replaced by A.
Molecular consequence: 3 prime UTR variant. On other transcripts: non-coding transcript variant (4), intron variant (8).
Genome position (GRCh38, 1-based): chr12:50,987,052, C>T on the plus strand (G>A on the coding strand, the complement: SLC11A2 is on the minus strand). VCF-style: chr12-50987052-C-T. GRCh37 (hg19) VCF-style: chr12-51380835-C-T.
Other names: c.*1273G>A (NM_001174125.2, NM_001174128.2, NM_001174129.2 and 6 more transcripts); c.1716+1330G>A (NM_001379446.1); c.1518+1330G>A (NM_001414747.1); c.1629+1330G>A (NM_001174127.2, NM_001174126.2, NM_001379447.2); c.*25+1248G>A (NM_001414744.1, NM_001414746.1); c.1617+1330G>A (NM_001379448.1).
Identifiers: ClinVar variation 309287 (VCV000309287.6), dbSNP rs11169654, ClinGen allele CA6566360.